The following is an entry in ClinVar:

ClinVar aggregate classification (germline): Uncertain significance (1 of 4 stars; one submission).

Conditions:
Dyskeratosis congenita, autosomal dominant 1 (DKCA1). Also called: Dyskeratosis congenita Scoggins type. Identifiers: Orphanet 1775, MedGen C4551974, MONDO:0007485, OMIM 127550. Inheritance: Variable.

Submission:

Labcorp Genetics (formerly Invitae), Labcorp
Classification: Uncertain significance for Dyskeratosis congenita, autosomal dominant 1. Last evaluated: 2021-09-22. Review status: criteria provided, single submitter. Criteria: Invitae Variant Classification Sherloc (09022015). Collection method: clinical testing. Allele origin: germline.
Comment: This variant is located in a region of TERC in which a significant number of disease causing variants have been reported (PMID: 15082312, 21844345, 21931702). These observations suggest that this may be a clinically significant region. This variant is located within the template/pseudoknot domain of the TERC RNA component, which is required for RNA or RNP stability (PMID: 15082312, 21844345). This variant has not been reported in the literature in individuals affected with TERC-related conditions. This variant is not present in population databases (ExAC no frequency). This variant occurs in the TERC gene, which encodes an RNA molecule that does not result in a protein product. In summary, the available evidence is currently insufficient to determine the role of this variant in disease. Therefore, it has been classified as a Variant of Uncertain Significance.

Literature cited by the submitters: PubMed 15082312; PubMed 21844345; PubMed 21931702.

NC_000003.12:g.169765007T>C

Genes: TERC (telomerase RNA component; minus strand), LOC110806306 (telomerase RNA component (TERC) promoter; plus strand). Cytogenetic location: 3q26.2.
Variant type: single nucleotide variant.
Genome position: GRCh38 VCF-style: chr3-169765007-T-C. GRCh37 (hg19) VCF-style: chr3-169482795-T-C.
Identifiers: ClinVar variation 1497019 (VCV001497019.6), dbSNP rs1288561509, ClinGen allele CA436715940.